The following is an entry in ClinVar:

ClinVar aggregate classification (germline): Uncertain significance (1 of 4 stars; one submission).

Allele frequency attached by ClinVar (database versions not stated): TOPMed below 0.00001; gnomAD exomes 0.00001; ExAC 0.00002.

Submission:

Labcorp Genetics (formerly Invitae), Labcorp
Classification: Uncertain significance. Last evaluated: 2024-09-19. Review status: criteria provided, single submitter. Criteria: Invitae Variant Classification Sherloc (09022015). Collection method: clinical testing. Allele origin: germline.
Comment: This sequence change replaces isoleucine, which is neutral and non-polar, with valine, which is neutral and non-polar, at codon 945 of the KMT2A protein (p.Ile945Val). This variant is present in population databases (rs781896886, gnomAD 0.003%). This variant has not been reported in the literature in individuals affected with KMT2A-related conditions. ClinVar contains an entry for this variant (Variation ID: 1513592). Invitae Evidence Modeling of protein sequence and biophysical properties (such as structural, functional, and spatial information, amino acid conservation, physicochemical variation, residue mobility, and thermodynamic stability) indicates that this missense variant is not expected to disrupt KMT2A protein function with a negative predictive value of 95%. In summary, the available evidence is currently insufficient to determine the role of this variant in disease. Therefore, it has been classified as a Variant of Uncertain Significance.

NM_001197104.2(KMT2A):c.2833A>G (p.Ile945Val)

Gene: KMT2A (lysine methyltransferase 2A; plus strand). Cytogenetic location: 11q23.3.
Variant type: single nucleotide variant.
Coding change: c.2833A>G on transcript NM_001197104.2 (MANE Select); coding-DNA position 2833, A replaced by G.
Protein change: p.Ile945Val; replaces isoleucine 945 with valine.
Molecular consequence: missense variant.
Genome position (GRCh38, 1-based): chr11:118,473,992, A>G. VCF-style: chr11-118473992-A-G. GRCh37 (hg19) VCF-style: chr11-118344707-A-G.
Other names: c.2833A>G, p.Ile945Val (NM_005933.4); short protein forms I945V.
Identifiers: ClinVar variation 1513592 (VCV001513592.7), dbSNP rs781896886, ClinGen allele CA6303568.